The following is an entry in ClinVar:

NM_001035.3(RYR2):c.7310G>A (p.Ser2437Asn)

Gene: RYR2 (ryanodine receptor 2; plus strand). Cytogenetic location: 1q43.
Variant type: single nucleotide variant.
Coding change: c.7310G>A on transcript NM_001035.3 (MANE Select); coding-DNA position 7310, G replaced by A.
Protein change: p.Ser2437Asn; replaces serine 2437 with asparagine.
Molecular consequence: missense variant.
Genome position (GRCh38, 1-based): chr1:237,643,415, G>A. VCF-style: chr1-237643415-G-A. GRCh37 (hg19) VCF-style: chr1-237806715-G-A.
Other names: c.7310G>A (NM_001035.2); short protein forms S2437N.
Identifiers: ClinVar variation 1931489 (VCV001931489.6), dbSNP rs1178464472, ClinGen allele CA345397033.
Genomic context (GRCh38, chr1:237,643,415, plus strand): 5'-TCAGAATTAGGTCCATTTTGAGATCCCTCATTCCCCTGGGAGATTTGGTGGGCGTTATCA[G>A]CATCGCTTTTCAGATGCCAACAATAGCCAAAGGTAAGGCCAACTTCAATTTGTCCTAATT-3'
Protein context (NP_001026.2, residues 2427-2447): IPLGDLVGVI[Ser2437Asn]IAFQMPTIAK

ClinVar aggregate classification (germline): Uncertain significance. Review status: criteria provided, multiple submitters, no conflicts (2 of 4 stars). 2 submissions from 2 submitters: Uncertain significance (2). Last evaluated 2026-04-01.

Conditions:
Catecholaminergic polymorphic ventricular tachycardia 1. Also called: VENTRICULAR TACHYCARDIA, CATECHOLAMINERGIC POLYMORPHIC, 1, WITH OR WITHOUT ATRIAL DYSFUNCTION AND/OR DILATED CARDIOMYOPATHY; RYR2-Related Catecholaminergic Polymorphic Ventricular Tachycardia; VENTRICULAR TACHYCARDIA, STRESS-INDUCED POLYMORPHIC 1. Identifiers: Orphanet 3286, MedGen C1631597, MONDO:0011484, OMIM 604772.

gnomAD v4.1: 2 of 1,613,826 alleles (0.00012%); highest among the groups gnomAD compares: Admixed American, 0.0033%; no homozygotes.

Submissions (2):

GeneDx
Classification: Uncertain significance. Last evaluated: 2026-04-01. Review status: criteria provided, single submitter. Criteria: GeneDx Variant Classification Process June 2021. Collection method: clinical testing. Allele origin: germline.
Comment: Not observed at significant frequency in large population cohorts (gnomAD); In silico analysis suggests that this missense variant does not alter protein structure/function; Has not been previously published as pathogenic or benign to our knowledge; Located in one of the three hot-spot regions of the RYR2 gene, where the majority of pathogenic missense variants occur (PMID: 19926015); This variant is associated with the following publications: (PMID: 19926015)

Labcorp Genetics (formerly Invitae), Labcorp
Classification: Uncertain significance for Catecholaminergic polymorphic ventricular tachycardia 1. Last evaluated: 2022-07-19. Review status: criteria provided, single submitter. Criteria: Invitae Variant Classification Sherloc (09022015). Collection method: clinical testing. Allele origin: germline.
Comment: In summary, the available evidence is currently insufficient to determine the role of this variant in disease. Therefore, it has been classified as a Variant of Uncertain Significance. Advanced modeling of protein sequence and biophysical properties (such as structural, functional, and spatial information, amino acid conservation, physicochemical variation, residue mobility, and thermodynamic stability) performed at Invitae indicates that this missense variant is expected to disrupt RYR2 protein function. This variant has not been reported in the literature in individuals affected with RYR2-related conditions. This variant is present in population databases (no rsID available, gnomAD 0.003%). This sequence change replaces serine, which is neutral and polar, with asparagine, which is neutral and polar, at codon 2437 of the RYR2 protein (p.Ser2437Asn).